The following is an entry in ClinVar:

NM_001481.3(DRC4):c.1141A>G (p.Lys381Glu)

Gene: DRC4 (dynein regulatory complex subunit 4; plus strand). Cytogenetic location: 16q24.3.
Variant type: single nucleotide variant.
Coding change: c.1141A>G on transcript NM_001481.3 (MANE Select); coding-DNA position 1141, A replaced by G.
Protein change: p.Lys381Glu; replaces lysine 381 with glutamic acid.
Molecular consequence: missense variant.
Genome position (GRCh38, 1-based): chr16:90,040,429, A>G. VCF-style: chr16-90040429-A-G. GRCh37 (hg19) VCF-style: chr16-90106837-A-G.
Other names: c.892A>G, p.Lys298Glu (NM_001286205.2); c.565A>G, p.Lys189Glu (NM_001286208.2); c.1066A>G, p.Lys356Glu (NM_001286209.2); short protein forms K189E, K298E, K356E, K381E.
Identifiers: ClinVar variation 1026643 (VCV001026643.4), dbSNP rs1309830886, ClinGen allele CA397470522.

ClinVar aggregate classification (germline): Uncertain significance (1 of 4 stars; one submission).

Conditions:
Primary ciliary dyskinesia 33. Also called: CILIARY DYSKINESIA, PRIMARY, 33, WITHOUT SITUS INVERSUS. Identifiers: Orphanet 244, MedGen C4225230, MONDO:0014750, OMIM 616726.

Allele frequency attached by ClinVar (database versions not stated): gnomAD exomes below 0.00001 and 0.00001; TOPMed 0.00002; gnomAD 0.00004 and 0.00005.
gnomAD v4.1: 13 of 1,612,132 alleles (0.00081%); highest among the groups gnomAD compares: South Asian, 0.0033%; no homozygotes.

Submission:

Labcorp Genetics (formerly Invitae), Labcorp
Classification: Uncertain significance for Primary ciliary dyskinesia 33. Last evaluated: 2021-11-02. Review status: criteria provided, single submitter. Criteria: Invitae Variant Classification Sherloc (09022015). Collection method: clinical testing. Allele origin: germline.
Comment: This sequence change replaces lysine, which is basic and polar, with glutamic acid, which is acidic and polar, at codon 381 of the GAS8 protein (p.Lys381Glu). The frequency data for this variant in the population databases is considered unreliable, as metrics indicate poor data quality at this position in the gnomAD database. This variant has not been reported in the literature in individuals affected with GAS8-related conditions. ClinVar contains an entry for this variant (Variation ID: 1026643). Algorithms developed to predict the effect of missense changes on protein structure and function are either unavailable or do not agree on the potential impact of this missense change (SIFT: "Tolerated"; PolyPhen-2: "Possibly Damaging"; Align-GVGD: "Class C0"). In summary, the available evidence is currently insufficient to determine the role of this variant in disease. Therefore, it has been classified as a Variant of Uncertain Significance.